The following is an entry in ClinVar:

NM_001849.4(COL6A2):c.73G>A (p.Val25Ile)

Gene: COL6A2 (collagen type VI alpha 2 chain; plus strand). Cytogenetic location: 21q22.3.
Variant type: single nucleotide variant.
Coding change: c.73G>A on transcript NM_001849.4 (MANE Select); coding-DNA position 73, G replaced by A.
Protein change: p.Val25Ile; replaces valine 25 with isoleucine.
Molecular consequence: missense variant.
Genome position (GRCh38, 1-based): chr21:46,111,549, G>A. VCF-style: chr21-46111549-G-A. GRCh37 (hg19) VCF-style: chr21-47531463-G-A.
Other names: c.73G>A, p.Val25Ile (NM_058174.3, NM_058175.3); short protein forms V25I.
Identifiers: ClinVar variation 1445933 (VCV001445933.8), dbSNP rs2123612816, ClinGen allele CA410519437.

ClinVar aggregate classification (germline): Uncertain significance (1 of 4 stars; one submission).

Conditions:
Bethlem myopathy 1A. Also called: MYOPATHY, BENIGN CONGENITAL, WITH CONTRACTURES; Bethlem Muscular Dystrophy; Bethlem myopathy 1. Identifiers: Orphanet 610, MedGen CN029274, MONDO:0024530, OMIM 158810.

Submission:

Labcorp Genetics (formerly Invitae), Labcorp
Classification: Uncertain significance for Bethlem myopathy 1A. Last evaluated: 2022-07-05. Review status: criteria provided, single submitter. Criteria: Invitae Variant Classification Sherloc (09022015). Collection method: clinical testing. Allele origin: germline.
Comment: This variant has not been reported in the literature in individuals affected with COL6A2-related conditions. In summary, the available evidence is currently insufficient to determine the role of this variant in disease. Therefore, it has been classified as a Variant of Uncertain Significance. Advanced modeling of protein sequence and biophysical properties (such as structural, functional, and spatial information, amino acid conservation, physicochemical variation, residue mobility, and thermodynamic stability) performed at Invitae indicates that this missense variant is not expected to disrupt COL6A2 protein function. ClinVar contains an entry for this variant (Variation ID: 1445933). This variant is not present in population databases (gnomAD no frequency). This sequence change replaces valine, which is neutral and non-polar, with isoleucine, which is neutral and non-polar, at codon 25 of the COL6A2 protein (p.Val25Ile).